The following is an entry in ClinVar:

NM_003640.5(ELP1):c.959-15C>T

Gene: ELP1 (elongator acetyltransferase complex subunit 1; minus strand). Cytogenetic location: 9q31.3.
Variant type: single nucleotide variant.
Coding change: c.959-15C>T on transcript NM_003640.5 (MANE Select); 15 bases into the intron before coding-DNA position 959, C replaced by T.
Molecular consequence: intron variant.
Genome position (GRCh38, 1-based): chr9:108,912,509, G>A on the plus strand (C>T on the coding strand, the complement: ELP1 is on the minus strand). VCF-style: chr9-108912509-G-A. GRCh37 (hg19) VCF-style: chr9-111674789-G-A.
Other names: c.959-15C>T (LRG_251t1, NM_003640.4); c.617-15C>T (NM_001318360.2); c.-89-15C>T (NM_001330749.2).
Identifiers: ClinVar variation 137572 (VCV000137572.30), dbSNP rs112114410, ClinGen allele CA291213.

ClinVar aggregate classification (germline): Benign/Likely benign. Review status: criteria provided, multiple submitters, no conflicts (2 of 4 stars). 10 submissions from 10 submitters: Benign (6); Likely benign (2). 2 of the submissions do not count toward it. Last evaluated 2026-02-04.

Conditions:
Medulloblastoma (MDB). Also called: Medulloblastoma, somatic; MEDULLOBLASTOMA PREDISPOSITION SYNDROME. Identifiers: Orphanet 616, MedGen C0025149, MeSH D008527, MONDO:0007959, OMIM 155255, HP:0002885.
Familial dysautonomia. Also called: FD; HSAN III. Identifiers: Orphanet 1764, MedGen C0013364, MONDO:0009131, OMIM 223900. Disease mechanism: loss of function.

Allele frequency attached by ClinVar (database versions not stated): 1000 Genomes Project 30x 0.00984; 1000 Genomes Project 0.00998; TOPMed 0.01725; gnomAD exomes 0.01830 and 0.02232; gnomAD 0.01858 and 0.01906; ExAC 0.01980; ESP Exome Variant Server 0.02022.
gnomAD v4.1: 34,585 of 1,585,850 alleles (2.2%); highest among the groups gnomAD compares: Non-Finnish European, 2.5%; 454 homozygotes.

Submissions (10):

Labcorp Genetics (formerly Invitae), Labcorp
Classification: Benign. Last evaluated: 2026-02-04. Review status: criteria provided, single submitter. Criteria: Invitae Variant Classification Sherloc (09022015). Collection method: clinical testing. Allele origin: germline.

ARUP Laboratories, Molecular Genetics and Genomics, ARUP Laboratories
Classification: Benign. Last evaluated: 2025-04-21. Review status: criteria provided, single submitter. Criteria: ARUP Molecular Germline Variant Investigation Process 2024. Collection method: clinical testing. Allele origin: germline.

Women's Health and Genetics/Laboratory Corporation of America, LabCorp
Classification: Benign. Last evaluated: 2023-03-28. Review status: criteria provided, single submitter. Criteria: LabCorp Variant Classification Summary - May 2015. Collection method: clinical testing. Allele origin: germline.

Fulgent Genetics
Classification: Benign for Medulloblastoma; Familial dysautonomia. Last evaluated: 2021-08-30. Review status: criteria provided, single submitter. Criteria: ACMG Guidelines, 2015. Collection method: clinical testing. Allele origin: unknown.

Illumina Laboratory Services, Illumina
Classification: Likely benign for Familial dysautonomia. Last evaluated: 2018-01-13. Review status: criteria provided, single submitter. Criteria: ICSL Variant Classification Criteria 13 December 2019. Collection method: clinical testing. Allele origin: germline.
Comment: This variant was observed in the ICSL laboratory as part of a predisposition screen in an ostensibly healthy population. It had not been previously curated by ICSL or reported in the Human Gene Mutation Database (HGMD: prior to June 1st, 2018), and was therefore a candidate for classification through an automated scoring system. Utilizing variant allele frequency, disease prevalence and penetrance estimates, and inheritance mode, an automated score was calculated to assess if this variant is too frequent to cause the disease. Based on the score and internal cut-off values, a variant classified as likely benign is not then subjected to further curation. The score for this variant resulted in a classification of likely benign for this disease.

Genome Diagnostics Laboratory, University Medical Center Utrecht
Classification: Benign for Familial dysautonomia. Last evaluated: 2014-10-09. Review status: criteria provided, single submitter. Criteria: ACGS Guidelines, 2013. Collection method: clinical testing. Allele origin: germline. Affected: yes. Study: VKGL Data-share Consensus.

GeneDx
Classification: Benign. Last evaluated: 2014-04-03. Review status: criteria provided, single submitter. Criteria: GeneDx Variant Classification (06012015). Collection method: clinical testing. Allele origin: germline. Affected: yes.
Comment: This variant is considered likely benign or benign based on one or more of the following criteria: it is a conservative change, it occurs at a poorly conserved position in the protein, it is predicted to be benign by multiple in silico algorithms, and/or has population frequency not consistent with disease.

Breakthrough Genomics
Classification: Likely benign. Review status: criteria provided, single submitter. Criteria: ACMG Guidelines, 2015. Collection method: not provided. Allele origin: germline. Inheritance: Autosomal recessive inheritance. Affected: yes.

Natera, Inc.
Classification: Benign for Familial dysautonomia. Last evaluated: 2020-09-16. Review status: no assertion criteria provided. Collection method: clinical testing. Allele origin: germline. Not counted in ClinVar's aggregate classification.

Clinical Genetics, Academic Medical Center
Classification: Benign. Review status: no assertion criteria provided. Collection method: clinical testing. Allele origin: germline. Affected: yes. Study: VKGL Data-share Consensus. Not counted in ClinVar's aggregate classification.